The following is an entry in ClinVar:

NM_001145358.2(SIN3A):c.3052G>A (p.Val1018Met)

Gene: SIN3A (SIN3 transcription regulator family member A; minus strand). Cytogenetic location: 15q24.2.
Variant type: single nucleotide variant.
Coding change: c.3052G>A on transcript NM_001145358.2 (MANE Select); coding-DNA position 3052, G replaced by A.
Protein change: p.Val1018Met; replaces valine 1018 with methionine.
Molecular consequence: missense variant.
Genome position (GRCh38, 1-based): chr15:75,384,407, C>T on the plus strand (G>A on the coding strand, the complement: SIN3A is on the minus strand). VCF-style: chr15-75384407-C-T. GRCh37 (hg19) VCF-style: chr15-75676748-C-T.
Other names: c.3052G>A, p.Val1018Met (NM_001145357.2, NM_015477.3); short protein forms V1018M.
Identifiers: ClinVar variation 3390433 (VCV003390433.1).
Genomic context (GRCh38, chr15:75,384,407, plus strand): 5'-TCAGCTGGCCTCCGGTGGCCCCATTATTATTTTCTGCCAGGTAAAGGTCAGTCACCTGCA[C>T]ACAGATCTCATCACTCACGATATGCTGCAGCTGGAAGCAAACAAAGGCAAGCTTTTAGTG-3'
Protein context (NP_001138830.1, residues 1008-1028): LQHIVSDEIC[Val1018Met]QVTDLYLAEN

ClinVar aggregate classification (germline): Uncertain significance (1 of 4 stars; one submission).

Submission:

GeneDx
Classification: Uncertain significance. Last evaluated: 2024-06-13. Review status: criteria provided, single submitter. Criteria: GeneDx Variant Classification Process June 2021. Collection method: clinical testing. Allele origin: germline. Affected: yes.
Comment: Not observed at significant frequency in large population cohorts (gnomAD); In silico analysis indicates that this missense variant does not alter protein structure/function; Has not been previously published as pathogenic or benign to our knowledge